The following is an entry in ClinVar:

NM_000304.4(PMP22):c.179-3C>G

Gene: PMP22 (peripheral myelin protein 22; minus strand). Cytogenetic location: 17p12.
Variant type: single nucleotide variant.
Coding change: c.179-3C>G on transcript NM_000304.4 (MANE Select); 3 bases into the intron before coding-DNA position 179, C replaced by G.
Molecular consequence: intron variant.
Genome position (GRCh38, 1-based): chr17:15,239,614, G>C on the plus strand (C>G on the coding strand, the complement: PMP22 is on the minus strand). VCF-style: chr17-15239614-G-C. GRCh37 (hg19) VCF-style: chr17-15142931-G-C.
Other names: c.179-3C>G (NM_001281456.2, NM_153321.3, NM_001281455.2 and 2 more transcripts).
Identifiers: ClinVar variation 1396761 (VCV001396761.8), dbSNP rs1284105482, ClinGen allele CA2573153160.
Genomic context (GRCh38, chr17:15,239,614, plus strand): 5'-GACAGAATGCTGAAGATGATCGACAGGATCATGGTGGCCTGGACAGACTGCAGCCATTCT[G>C]GGGGAAAGAGACACTTGGTTAGGAGAGCTGGCCATGGCCGGGGGAGGGCTCTGCCTCGAG-3'

ClinVar aggregate classification (germline): Uncertain significance. Review status: criteria provided, multiple submitters, no conflicts (2 of 4 stars). 2 submissions from 2 submitters: Uncertain significance (2). Last evaluated 2021-12-11.

Conditions:
Charcot-Marie-Tooth disease, type I (CMT1). Also called: Charcot-Marie-Tooth, Type 1; Charcot-Marie-Tooth disease type 1. Identifiers: Orphanet 65753, MedGen C0751036, MONDO:0019011.
Inborn genetic diseases. Identifiers: MedGen C0950123, MeSH D030342.

Submissions (2):

Labcorp Genetics (formerly Invitae), Labcorp
Classification: Uncertain significance for Charcot-Marie-Tooth disease, type I. Last evaluated: 2021-12-11. Review status: criteria provided, single submitter. Criteria: Invitae Variant Classification Sherloc (09022015). Collection method: clinical testing. Allele origin: germline.
Comment: In summary, the available evidence is currently insufficient to determine the role of this variant in disease. Therefore, it has been classified as a Variant of Uncertain Significance. Variants that disrupt the consensus splice site are a relatively common cause of aberrant splicing (PMID: 17576681, 9536098). Algorithms developed to predict the effect of sequence changes on RNA splicing suggest that this variant may disrupt the consensus splice site. This variant has not been reported in the literature in individuals affected with PMP22-related conditions. This variant is not present in population databases (gnomAD no frequency). This sequence change falls in intron 3 of the PMP22 gene. It does not directly change the encoded amino acid sequence of the PMP22 protein. It affects a nucleotide within the consensus splice site.

Ambry Genetics
Classification: Uncertain significance for Inborn genetic diseases. Last evaluated: 2021-04-20. Review status: criteria provided, single submitter. Criteria: Ambry Variant Classification Scheme 2023. Collection method: clinical testing. Allele origin: germline.
Comment: The c.179-3C>G intronic variant results from a C to G substitution 3 nucleotides upstream from coding exon 3 in the PMP22 gene. This nucleotide position is not well conserved in available vertebrate species. In silico splice site analysis predicts that this alteration will weaken the native splice acceptor site. Since supporting evidence is limited at this time, the clinical significance of this alteration remains unclear.

Literature cited by the submitters: PubMed 17576681 (cited by Labcorp Genetics (formerly Invitae), Labcorp); PubMed 9536098 (cited by Labcorp Genetics (formerly Invitae), Labcorp).